The following is an entry in ClinVar:

NM_001297.5(CNGB1):c.3147C>T (p.His1049=)

Gene: CNGB1 (cyclic nucleotide gated channel subunit beta 1; minus strand). Cytogenetic location: 16q21.
Variant type: single nucleotide variant.
Coding change: c.3147C>T on transcript NM_001297.5 (MANE Select); coding-DNA position 3147, C replaced by T.
Protein change: p.His1049=; no amino-acid change (histidine 1049 retained).
Molecular consequence: synonymous variant.
Genome position (GRCh38, 1-based): chr16:57,897,492, G>A on the plus strand (C>T on the coding strand, the complement: CNGB1 is on the minus strand). VCF-style: chr16-57897492-G-A. GRCh37 (hg19) VCF-style: chr16-57931396-G-A.
Other names: c.3129C>T, p.His1043= (NM_001286130.2).
Identifiers: ClinVar variation 320066 (VCV000320066.49), dbSNP rs200581517, ClinGen allele CA8082658.

ClinVar aggregate classification (germline): Conflicting classifications of pathogenicity. Review status: criteria provided, conflicting classifications (1 of 4 stars). 4 submissions from 4 submitters: Uncertain significance (1); Benign (1); Likely benign (1). 1 of the submissions does not count toward it. Last evaluated 2026-01-28.

Conditions:
CNGB1-related disorder. Also called: CNGB1-related condition.
Retinitis pigmentosa (RP). Identifiers: Orphanet 791, MedGen C0035334, MeSH D012174, MONDO:0019200, OMIM 268000. Inheritance: Autosomal dominant, autosomal recessive and X linked inheritance.

Allele frequency attached by ClinVar (database versions not stated): 1000 Genomes Project 30x 0.00031; 1000 Genomes Project 0.00040; TOPMed 0.00138; ESP Exome Variant Server 0.00166; gnomAD exomes 0.00200 and 0.00264; gnomAD 0.00255 and 0.00275; ExAC 0.00261.
gnomAD v4.1: 3,326 of 1,614,072 alleles (0.21%); highest among the groups gnomAD compares: Non-Finnish European, 0.19%; 13 homozygotes.

Submissions (4):

Labcorp Genetics (formerly Invitae), Labcorp
Classification: Benign. Last evaluated: 2026-01-28. Review status: criteria provided, single submitter. Criteria: Invitae Variant Classification Sherloc (09022015). Collection method: clinical testing. Allele origin: germline.

CeGaT Center for Human Genetics Tuebingen
Classification: Likely benign. Last evaluated: 2025-12-01. Review status: criteria provided, single submitter. Criteria: CeGaT Center For Human Genetics Tuebingen Variant Classification Criteria Version 2. Collection method: clinical testing. Allele origin: germline. Affected: yes. Observed: 6 variant alleles.
Comment: CNGB1: BP4, BP7

Illumina Laboratory Services, Illumina
Classification: Uncertain significance for Retinitis pigmentosa. Last evaluated: 2018-01-12. Review status: criteria provided, single submitter. Criteria: ICSL Variant Classification Criteria 13 December 2019. Collection method: clinical testing. Allele origin: germline.

PreventionGenetics, part of Exact Sciences
Classification: Likely benign for CNGB1-related condition. Last evaluated: 2019-05-28. Review status: no assertion criteria provided. Collection method: clinical testing. Allele origin: germline. Not counted in ClinVar's aggregate classification.
Comment: This variant is classified as likely benign based on ACMG/AMP sequence variant interpretation guidelines (Richards et al. 2015 PMID: 25741868, with internal and published modifications).